The following is an entry in ClinVar:

ClinVar aggregate classification (germline): Uncertain significance. Review status: criteria provided, single submitter (1 of 4 stars). 2 submissions from 2 submitters: Uncertain significance (1). 1 of the submissions does not count toward it. Last evaluated 2025-12-16.

Conditions:
Emery-Dreifuss muscular dystrophy 5, autosomal dominant (EDMD5). Also called: EMERY-DREIFUSS MUSCULAR DYSTROPHY 5. Identifiers: Orphanet 261, MedGen C2751805, MONDO:0013072, OMIM 612999.
SYNE2-related disorder. Also called: SYNE2-related condition.

gnomAD v4.1: 6 of 1,613,002 alleles (0.00037%); highest among the groups gnomAD compares: Admixed American, 0.005%; no homozygotes.

Submissions (2):

Labcorp Genetics (formerly Invitae), Labcorp
Classification: Uncertain significance for Emery-Dreifuss muscular dystrophy 5, autosomal dominant. Last evaluated: 2025-12-16. Review status: criteria provided, single submitter. Criteria: Invitae Variant Classification Sherloc (09022015). Collection method: clinical testing. Allele origin: germline.
Comment: This sequence change affects codon 6352 of the SYNE2 mRNA. It is a 'silent' change, meaning that it does not change the encoded amino acid sequence of the SYNE2 protein. This variant also falls at the last nucleotide of exon 105, which is part of the consensus splice site for this exon. This variant is present in population databases (rs747595148, gnomAD 0.006%). This variant has not been reported in the literature in individuals affected with SYNE2-related conditions. ClinVar contains an entry for this variant (Variation ID: 3355846). Variants that disrupt the consensus splice site are a relatively common cause of aberrant splicing (PMID: 17576681, 9536098). Algorithms developed to predict the effect of sequence changes on RNA splicing suggest that this variant may disrupt the consensus splice site. In summary, the available evidence is currently insufficient to determine the role of this variant in disease. Therefore, it has been classified as a Variant of Uncertain Significance.

PreventionGenetics, part of Exact Sciences
Classification: Uncertain significance for SYNE2-related condition. Last evaluated: 2024-06-26. Review status: no assertion criteria provided. Collection method: clinical testing. Allele origin: germline. Not counted in ClinVar's aggregate classification.
Comment: The SYNE2 c.19056G>A variant is not predicted to result in an amino acid change (p.=). To our knowledge, this variant has not been reported in the literature. This variant is reported in 0.0058% of alleles in individuals of Latino descent in gnomAD. This variant occurs at the last nucleotide of exon 105 and is predicted to weaken the canonical splice donor site, possibly impacting splicing. At this time, the clinical significance of this variant is uncertain due to the absence of conclusive functional and genetic evidence.

Literature cited by the submitters: PubMed 17576681 (cited by Labcorp Genetics (formerly Invitae), Labcorp); PubMed 9536098 (cited by Labcorp Genetics (formerly Invitae), Labcorp).

NM_182914.3(SYNE2):c.19056G>A (p.Pro6352=)

Gene: SYNE2 (spectrin repeat containing nuclear envelope protein 2; plus strand). Cytogenetic location: 14q23.2.
Variant type: single nucleotide variant.
Coding change: c.19056G>A on transcript NM_182914.3 (MANE Select); coding-DNA position 19056, G replaced by A.
Protein change: p.Pro6352=; no amino-acid change (proline 6352 retained).
Molecular consequence: synonymous variant.
Genome position (GRCh38, 1-based): chr14:64,213,005, G>A. VCF-style: chr14-64213005-G-A. GRCh37 (hg19) VCF-style: chr14-64679723-G-A.
Other names: c.19056G>A, p.Pro6352= (NM_015180.6).
Identifiers: ClinVar variation 3355846 (VCV003355846.2).